The following is an entry in ClinVar:

ClinVar aggregate classification (germline): Uncertain significance (1 of 4 stars; one submission).

Submission:

Labcorp Genetics (formerly Invitae), Labcorp
Classification: Uncertain significance. Last evaluated: 2023-07-17. Review status: criteria provided, single submitter. Criteria: Invitae Variant Classification Sherloc (09022015). Collection method: clinical testing. Allele origin: germline.
Comment: In summary, the available evidence is currently insufficient to determine the role of this variant in disease. Therefore, it has been classified as a Variant of Uncertain Significance. Variants that disrupt the consensus splice site are a relatively common cause of aberrant splicing (PMID: 17576681, 9536098). Algorithms developed to predict the effect of sequence changes on RNA splicing suggest that this variant may create or strengthen a splice site. This variant has not been reported in the literature in individuals affected with TRRAP-related conditions. This variant is not present in population databases (gnomAD no frequency). This sequence change falls in intron 32 of the TRRAP gene. It does not directly change the encoded amino acid sequence of the TRRAP protein. It affects a nucleotide within the consensus splice site.

Literature cited by the submitters: PubMed 17576681; PubMed 9536098.

NM_001375524.1(TRRAP):c.4668+4A>C

Gene: TRRAP (transformation/transcription domain associated protein; plus strand). Cytogenetic location: 7q22.1.
Variant type: single nucleotide variant.
Coding change: c.4668+4A>C on transcript NM_001375524.1 (MANE Select); 4 bases into the intron after coding-DNA position 4668, A replaced by C.
Molecular consequence: intron variant.
Genome position (GRCh38, 1-based): chr7:98,948,344, A>C. VCF-style: chr7-98948344-A-C. GRCh37 (hg19) VCF-style: chr7-98545967-A-C.
Other names: c.4647+4A>C (NM_001244580.2); c.4593+4A>C (NM_003496.4).
Identifiers: ClinVar variation 2744162 (VCV002744162.3), dbSNP rs1791179022, ClinGen allele CA1728822311.